The following is an entry in ClinVar:

ClinVar aggregate classification (germline): Benign/Likely benign. Review status: criteria provided, multiple submitters, no conflicts (2 of 4 stars). 8 submissions from 8 submitters: Benign (1); Likely benign (7). Last evaluated 2026-01-27.

Conditions:
AGRN-related disorder. Also called: AGRN-related condition.
Congenital myasthenic syndrome 8. Also called: Myasthenic syndrome, congenital, 8, with pre- and postsynaptic defects; MYASTHENIC SYNDROME, CONGENITAL, DUE TO AGRIN DEFICIENCY. Identifiers: Orphanet 590, MedGen C3808739, MONDO:0014052, OMIM 615120.

Allele frequency attached by ClinVar (database versions not stated): gnomAD exomes 0.00048; ExAC 0.00063; ESP Exome Variant Server 0.00138; 1000 Genomes Project 0.00140; 1000 Genomes Project 30x 0.00141; gnomAD 0.00172 and 0.00177; TOPMed 0.00196.
gnomAD v4.1: 568 of 1,614,028 alleles (0.035%); highest among the groups gnomAD compares: African/African-American, 0.64%; 2 homozygotes.

Submissions (8):

Labcorp Genetics (formerly Invitae), Labcorp
Classification: Benign for Congenital myasthenic syndrome 8. Last evaluated: 2026-01-27. Review status: criteria provided, single submitter. Criteria: Invitae Variant Classification Sherloc (09022015). Collection method: clinical testing. Allele origin: germline.

Mayo Clinic Laboratories, Mayo Clinic
Classification: Likely benign. Last evaluated: 2025-05-27. Review status: criteria provided, single submitter. Criteria: ACMG Guidelines, 2015. Collection method: clinical testing. Allele origin: germline. Observed: 1 variant allele.
Comment: BP4, BP7

PreventionGenetics, part of Exact Sciences
Classification: Likely benign for AGRN-related condition. Last evaluated: 2025-02-11. Review status: criteria provided, single submitter. Criteria: ACMG Guidelines, 2015. Collection method: clinical testing. Allele origin: germline.
Comment: This variant is classified as likely benign based on ACMG/AMP sequence variant interpretation guidelines (Richards et al. 2015 PMID: 25741868, with internal and published modifications).

Blueprint Genetics
Classification: Likely benign. Last evaluated: 2024-10-24. Review status: criteria provided, single submitter. Criteria: ACMG Guidelines, 2015. Collection method: clinical testing. Allele origin: germline.

CeGaT Center for Human Genetics Tuebingen
Classification: Likely benign. Last evaluated: 2023-07-01. Review status: criteria provided, single submitter. Criteria: CeGaT Center For Human Genetics Tuebingen Variant Classification Criteria Version 2. Collection method: clinical testing. Allele origin: germline. Affected: yes. Observed: 2 variant alleles.
Comment: AGRN: BP4, BP7, BS1

Eurofins Ntd Llc (ga)
Classification: Likely benign. Last evaluated: 2017-04-17. Review status: criteria provided, single submitter. Criteria: EGL Classification Definitions 2015. Collection method: clinical testing. Allele origin: germline. Observed: 1 variant allele, 1 heterozygote.

Genetic Services Laboratory, University of Chicago
Classification: Likely benign. Last evaluated: 2016-09-02. Review status: criteria provided, single submitter. Criteria: ACMG Guidelines, 2015. Collection method: clinical testing. Allele origin: germline. Affected: no.

Breakthrough Genomics
Classification: Likely benign. Review status: criteria provided, single submitter. Criteria: ACMG Guidelines, 2015. Collection method: not provided. Allele origin: germline. Inheritance: Autosomal recessive inheritance. Affected: yes.

NM_198576.4(AGRN):c.2805+7G>A

Gene: AGRN (agrin; plus strand). Cytogenetic location: 1p36.33.
Variant type: single nucleotide variant.
Coding change: c.2805+7G>A on transcript NM_198576.4 (MANE Select); 7 bases into the intron after coding-DNA position 2805, G replaced by A.
Molecular consequence: intron variant.
Genome position (GRCh38, 1-based): chr1:1,046,095, G>A. VCF-style: chr1-1046095-G-A. GRCh37 (hg19) VCF-style: chr1-981475-G-A.
Other names: p.?; c.2805+7G>A (LRG_198t1, NM_001305275.2); c.2490+7G>A (NM_001364727.2).
Identifiers: ClinVar variation 434107 (VCV000434107.51), dbSNP rs190000918, ClinGen allele CA508809.